The following is an entry in ClinVar:

NM_006379.5(SEMA3C):c.961G>A (p.Val321Met)

Gene: SEMA3C (semaphorin 3C; minus strand). Cytogenetic location: 7q21.11.
Variant type: single nucleotide variant.
Coding change: c.961G>A on transcript NM_006379.5 (MANE Select); coding-DNA position 961, G replaced by A.
Protein change: p.Val321Met; replaces valine 321 with methionine.
Molecular consequence: missense variant.
Genome position (GRCh38, 1-based): chr7:80,800,782, C>T on the plus strand (G>A on the coding strand, the complement: SEMA3C is on the minus strand). VCF-style: chr7-80800782-C-T. GRCh37 (hg19) VCF-style: chr7-80430098-C-T.
Other names: c.1015G>A, p.Val339Met (NM_001350120.2); c.787G>A, p.Val263Met (NM_001350121.2); short protein forms V263M, V321M, V339M.
Identifiers: ClinVar variation 4979480 (VCV004979480.1).
Genomic context (GRCh38, chr7:80,800,782, plus strand): 5'-GTTTAACTCATAAAATGTAACTGTTGAATAATTACCTTGATGTTGTAAAAATGCCATACA[C>T]TAGTGTTGTCCTCGGGTTATCAGTTTCCAGCAGAAACACATCCTCTATAAAAAGGAAAAT-3'
Protein context (NP_006370.1, residues 311-331): LETDNPRTTL[Val321Met]YGIFTTSSSV

ClinVar aggregate classification (germline): Uncertain significance (1 of 4 stars; one submission).

Conditions:
SEMA3C-related disorder. Also called: SEMA3C-related condition.

gnomAD v4.1: 47 of 1,529,844 alleles (0.0031%); highest among the groups gnomAD compares: Admixed American, 0.091%; no homozygotes.

Submission:

PreventionGenetics, part of Exact Sciences
Classification: Uncertain significance for SEMA3C-related condition. Last evaluated: 2025-06-12. Review status: criteria provided, single submitter. Criteria: ACMG Guidelines, 2015. Collection method: clinical testing. Allele origin: germline.
Comment: The SEMA3C c.1015G>A variant is predicted to result in the amino acid substitution p.Val339Met. To our knowledge, this variant has not been reported in the literature. This variant is reported in 0.020% of alleles in individuals of Latino descent in gnomAD. At this time, the clinical significance of this variant is uncertain due to the absence of conclusive functional and genetic evidence.